The following is an entry in ClinVar:

NM_147127.5(EVC2):c.11C>T (p.Ser4Leu)

Gene: EVC2 (EvC ciliary complex subunit 2; minus strand). Cytogenetic location: 4p16.2.
Variant type: single nucleotide variant.
Coding change: c.11C>T on transcript NM_147127.5 (MANE Select); coding-DNA position 11, C replaced by T.
Protein change: p.Ser4Leu; replaces serine 4 with leucine.
Molecular consequence: missense variant. On other transcripts: intron variant (1).
Genome position (GRCh38, 1-based): chr4:5,708,503, G>A on the plus strand (C>T on the coding strand, the complement: EVC2 is on the minus strand). VCF-style: chr4-5708503-G-A. GRCh37 (hg19) VCF-style: chr4-5710230-G-A.
Other names: c.-13+326C>T (NM_001166136.2); short protein forms S4L.
Identifiers: ClinVar variation 1431048 (VCV001431048.7), dbSNP rs1468421367, ClinGen allele CA356155556.

ClinVar aggregate classification (germline): Uncertain significance. Review status: criteria provided, multiple submitters, no conflicts (2 of 4 stars). 2 submissions from 2 submitters: Uncertain significance (2). Last evaluated 2026-09-01.

Conditions:
Curry-Hall syndrome (WAD). Also called: WEYERS ACRODENTAL DYSOSTOSIS. Identifiers: Orphanet 952, MedGen C0457013, MONDO:0008673, OMIM 193530.
Ellis-van Creveld syndrome (EVC). Also called: Chondroectodermal dysplasia; MESOECTODERMAL DYSPLASIA. Identifiers: Orphanet 289, MedGen C0013903, MONDO:0009162, OMIM 225500.

Allele frequency attached by ClinVar (database versions not stated): gnomAD 0.00001; gnomAD exomes 0.00005.
gnomAD v4.1: 16 of 1,476,626 alleles (0.0011%); highest among the groups gnomAD compares: Admixed American, 0.028%; no homozygotes.

Submissions (2):

CeGaT Center for Human Genetics Tuebingen
Classification: Uncertain significance. Last evaluated: 2026-09-01. Review status: criteria provided, single submitter. Criteria: CeGaT Center For Human Genetics Tuebingen Variant Classification Criteria Version 2. Collection method: clinical testing. Allele origin: germline. Affected: yes. Observed: 1 variant allele.

Labcorp Genetics (formerly Invitae), Labcorp
Classification: Uncertain significance for Curry-Hall syndrome; Ellis-van Creveld syndrome. Last evaluated: 2021-09-24. Review status: criteria provided, single submitter. Criteria: Invitae Variant Classification Sherloc (09022015). Collection method: clinical testing. Allele origin: germline.
Comment: This sequence change replaces serine with leucine at codon 4 of the EVC2 protein (p.Ser4Leu). The serine residue is weakly conserved and there is a large physicochemical difference between serine and leucine. The frequency data for this variant in the population databases is considered unreliable, as metrics indicate insufficient coverage at this position in the ExAC database. This variant has not been reported in the literature in individuals with EVC2-related conditions. Algorithms developed to predict the effect of missense changes on protein structure and function (SIFT, PolyPhen-2, Align-GVGD) all suggest that this variant is likely to be tolerated, but these predictions have not been confirmed by published functional studies and their clinical significance is uncertain. In summary, the available evidence is currently insufficient to determine the role of this variant in disease. Therefore, it has been classified as a Variant of Uncertain Significance.